The following is an entry in ClinVar:

ClinVar aggregate classification (germline): Uncertain significance (1 of 4 stars; one submission).

Conditions:
Roussy-Lévy syndrome. Also called: Roussy-Levy Syndrome; Roussy Levy hereditary areflexic dystasia; Roussy-Levy disease; Hereditary areflexic dystasia. Identifiers: Orphanet 3115, MedGen C0205713, MONDO:0008392, OMIM 180800.

Submission:

Centre for Mendelian Genomics, University Medical Centre Ljubljana
Classification: Uncertain significance for Roussy-Lévy syndrome. Last evaluated: 2019-07-02. Review status: criteria provided, single submitter. Criteria: ACMG Guidelines, 2015. Collection method: clinical testing. Allele origin: unknown. Affected: yes.
Comment: This variant was classified as: Uncertain significance. The available evidence favors the pathogenic nature of this variant, however the currently available data is insufficient to conclusively support its pathogenic nature. Thus this variant is classified as Uncertain significance - favor pathogenic. The following ACMG criteria were applied in classifying this variant: PM2.

NM_000530.8(MPZ):c.603dup (p.Leu202fs)

Gene: MPZ (myelin protein zero; minus strand). Cytogenetic location: 1q23.3.
Variant type: Duplication.
Coding change: c.603dup on transcript NM_000530.8 (MANE Select); coding-DNA position 603, one base duplicated (A; older notation c.603dupA).
Protein change: p.Leu202fs; shifts the reading frame from leucine 202.
Molecular consequence: frameshift variant.
Genome position (GRCh38, 1-based): chr1:161,306,150, T duplicated on the plus strand (A on the coding strand, the reverse complement: MPZ is on the minus strand); the first of 3 consecutive T bases (chr1:161,306,150-161,306,152); duplicating any one gives the same sequence. VCF-style (leftmost placement, unchanged base first): chr1-161306149-A-AT. GRCh37 (hg19) VCF-style: chr1-161275939-A-AT.
Other names: c.603dup, p.Leu202fs (NM_001315491.2); short protein forms L202fs.
Identifiers: ClinVar variation 931561 (VCV000931561.3), dbSNP rs2526234311, ClinGen allele CA1139656402.